The following is an entry in ClinVar:

NM_000217.3(KCNA1):c.*2245C>G

Gene: KCNA1 (potassium voltage-gated channel subfamily A member 1; plus strand). Cytogenetic location: 12p13.32.
Variant type: single nucleotide variant.
Coding change: c.*2245C>G on transcript NM_000217.3 (MANE Select); 2245 bases downstream of the stop codon, C replaced by G.
Molecular consequence: 3 prime UTR variant.
Genome position (GRCh38, 1-based): chr12:4,915,111, C>G. VCF-style: chr12-4915111-C-G. GRCh37 (hg19) VCF-style: chr12-5024277-C-G.
Identifiers: ClinVar variation 309183 (VCV000309183.35), dbSNP rs76258625, ClinGen allele CA10637709.

ClinVar aggregate classification (germline): Benign/Likely benign. Review status: criteria provided, multiple submitters, no conflicts (2 of 4 stars). 2 submissions from 2 submitters: Benign (1); Likely benign (1). Last evaluated 2023-04-01.

Conditions:
Episodic ataxia type 1 (EA1). Also called: Episodic ataxia/myokymia syndrome; MYOKYMIA WITH PERIODIC ATAXIA; PAROXYSMAL ATAXIA WITH NEUROMYOTONIA, HEREDITARY; ATAXIA, EPISODIC, WITH MYOKYMIA. Identifiers: Orphanet 37612, Orphanet 972, MedGen C1719788, MONDO:0008047, OMIM 160120.

Allele frequency attached by ClinVar (database versions not stated): 1000 Genomes Project 30x 0.00078; 1000 Genomes Project 0.00100; TOPMed 0.00118; gnomAD 0.00330 and 0.00350; gnomAD exomes 0.02839.
gnomAD v4.1: 922 of 166,972 alleles (0.55%); highest among the groups gnomAD compares: Non-Finnish European, 0.26%; 9 homozygotes.

Submissions (2):

CeGaT Center for Human Genetics Tuebingen
Classification: Likely benign. Last evaluated: 2023-04-01. Review status: criteria provided, single submitter. Criteria: CeGaT Center For Human Genetics Tuebingen Variant Classification Criteria Version 2. Collection method: clinical testing. Allele origin: germline. Affected: yes. Observed: 7 variant alleles.
Comment: KCNA1: BS1

Illumina Laboratory Services, Illumina
Classification: Benign for Episodic ataxia type 1. Last evaluated: 2018-01-13. Review status: criteria provided, single submitter. Criteria: ICSL Variant Classification Criteria 13 December 2019. Collection method: clinical testing. Allele origin: germline.
Comment: This variant was observed in the ICSL laboratory as part of a predisposition screen in an ostensibly healthy population. It had not been previously curated by ICSL or reported in the Human Gene Mutation Database (HGMD: prior to June 1st, 2018), and was therefore a candidate for classification through an automated scoring system. Utilizing variant allele frequency, disease prevalence and penetrance estimates, and inheritance mode, an automated score was calculated to assess if this variant is too frequent to cause the disease. Based on the score and internal cut-off values, a variant classified as benign is not then subjected to further curation. The score for this variant resulted in a classification of benign for this disease.